The following is an entry in ClinVar:

ClinVar aggregate classification (germline): Conflicting classifications of pathogenicity. Review status: criteria provided, conflicting classifications (1 of 4 stars). 12 submissions from 11 submitters: Pathogenic (1); Likely pathogenic (6); Uncertain significance (4). 1 of the submissions does not count toward it. Last evaluated 2026-08-19.

Conditions:
ABCA4-related disorder. Also called: ABCA4-related condition; ABCA4-related disorders. Identifiers: MedGen CN239167.
Retinal dystrophy. Also called: Inherited retinal dystrophy. Identifiers: Orphanet 71862, MedGen C0854723, MeSH D058499, MONDO:0019118, HP:0000556.
Cone-rod dystrophy 3 (CORD3). Identifiers: Orphanet 1872, MedGen C1858806, MONDO:0011395, OMIM 604116.
Age related macular degeneration 2. Also called: MACULAR DEGENERATION, SENILE; MACULOPATHY, AGE-RELATED, 2; MACULOPATHY, AGE-RELATED. Identifiers: MedGen C3495438, MONDO:0007932, OMIM 153800.
Retinitis pigmentosa 19 (RP19). Also called: ABCA4-Related Retinitis Pigmentosa. Identifiers: Orphanet 791, MedGen C1866422, MONDO:0011137, OMIM 601718.
Severe early-childhood-onset retinal dystrophy (STGD1). Also called: Stargardt macular dystrophy; Juvenile onset macular degeneration; Stargardt disease 1; MACULAR DYSTROPHY WITH FLECKS, TYPE 1; STGD. Identifiers: Orphanet 364055, Orphanet 827, MedGen C1855465, MeSH D000080362, MONDO:0009549, OMIM 248200.
Optic atrophy. Identifiers: MedGen C0029124, MONDO:0003608, HP:0000648.

Allele frequency attached by ClinVar (database versions not stated): gnomAD exomes 0.00011 and 0.00014; ExAC 0.00012; gnomAD 0.00013 and 0.00014; TOPMed 0.00017.
gnomAD v4.1: 214 of 1,614,058 alleles (0.013%); highest among the groups gnomAD compares: Non-Finnish European, 0.017%; no homozygotes.

Submissions (12):

GeneDx
Classification: Likely pathogenic. Last evaluated: 2026-08-19. Review status: criteria provided, single submitter. Criteria: GeneDx Variant Classification Process June 2021. Collection method: clinical testing. Allele origin: germline.
Comment: In silico analysis supports that this missense variant has a deleterious effect on protein structure/function; This variant is associated with the following publications: (PMID: 31964843, 20849526, 28559085, 35886001, 35120629, 10746567, 37771441, 34954332, 32531858, 38309476, 39462066)

PreventionGenetics, part of Exact Sciences
Classification: Uncertain significance for ABCA4-related condition. Last evaluated: 2026-05-20. Review status: criteria provided, single submitter. Criteria: ACMG Guidelines, 2015. Collection method: clinical testing. Allele origin: germline.
Comment: The ABCA4 c.5338C>G variant is predicted to result in the amino acid substitution p.Pro1780Ala. This variant has been reported in the compound heterozygous state in several individuals with Stargardt disease (Shroyer et al. 2000. PubMed ID: 10746567; Table S4, Stone et al. 2017. PubMed ID: 28559085) and was described in the heterozygous state along with a second missense variant in another patient with retinal disease (Table S1, Weisschuh et al. 2020. PubMed ID: 32531858). However, one large cohort analysis suggests that this variant could be benign (supplementary data, Cornelis et al. 2022. PubMed ID: 35120629). This variant is reported in 0.024% of alleles in individuals of European (non-Finnish) descent in gnomAD. At this time, the clinical significance of this variant is uncertain due to the absence of conclusive functional and genetic evidence.

Labcorp Genetics (formerly Invitae), Labcorp
Classification: Pathogenic. Last evaluated: 2025-08-25. Review status: criteria provided, single submitter. Criteria: Invitae Variant Classification Sherloc (09022015). Collection method: clinical testing. Allele origin: germline.
Comment: This sequence change replaces proline, which is neutral and non-polar, with alanine, which is neutral and non-polar, at codon 1780 of the ABCA4 protein (p.Pro1780Ala). This variant is present in population databases (rs121909207, gnomAD 0.02%). This missense change has been observed in individual(s) with Stargardt disease (PMID: 10746567, 28559085). In at least one individual the data is consistent with being in trans (on the opposite chromosome) from a pathogenic variant. ClinVar contains an entry for this variant (Variation ID: 7912). Invitae Evidence Modeling of protein sequence and biophysical properties (such as structural, functional, and spatial information, amino acid conservation, physicochemical variation, residue mobility, and thermodynamic stability) indicates that this missense variant is expected to disrupt ABCA4 protein function with a positive predictive value of 95%. For these reasons, this variant has been classified as Pathogenic.

Women's Health and Genetics/Laboratory Corporation of America, LabCorp
Classification: Uncertain significance. Last evaluated: 2025-05-21. Review status: criteria provided, single submitter. Criteria: LabCorp Variant Classification Summary - May 2015. Collection method: clinical testing. Allele origin: germline.
Comment: Variant summary: ABCA4 c.5338C>G (p.Pro1780Ala) results in a non-conservative amino acid change located in the ABC-2 type transporter, transmembrane domain (IPR013525) of the encoded protein sequence. Algorithms developed to predict the effect of missense changes on protein structure and function all suggest that this variant is likely to be disruptive. The variant allele was found at a frequency of 0.00011 in 251452 control chromosomes, predominantly at a frequency of 0.00021 within the Non-Finnish European subpopulation in the gnomAD database. This frequency is not significantly higher than estimated for a pathogenic variant in ABCA4 causing Stargardt Disease (0.00011 vs 0.0014), allowing no conclusion about variant significance. c.5338C>G has been observed in compound heterozygous individuals affected with Stargardt Disease (e.g. Shroyer_2000, Stone_2017, Weisschuh_2020) and in individuals with retinitis pigmentosa, optic atrophy, or macular degeneration (e.g. Kiel_2024). These data indicate that the variant may be associated with disease. To our knowledge, no experimental evidence demonstrating an impact on protein function has been reported. The following publications have been ascertained in the context of this evaluation (PMID: 38309476, 39462066, 35886001, 10746567, 28559085, 32531858). ClinVar contains an entry for this variant (Variation ID: 7912). Based on the evidence outlined above, the variant was classified as VUS-possibly pathogenic.

Fulgent Genetics
Classification: Likely pathogenic for Age related macular degeneration 2; Severe early-childhood-onset retinal dystrophy; Retinitis pigmentosa 19; Cone-rod dystrophy 3. Last evaluated: 2024-05-06. Review status: criteria provided, single submitter. Criteria: ACMG Guidelines, 2015. Collection method: clinical testing. Allele origin: germline.

Blueprint Genetics
Classification: Likely pathogenic for ABCA4-related disorders. Last evaluated: 2022-08-22. Review status: criteria provided, single submitter. Criteria: ACMG Guidelines, 2015. Collection method: clinical testing. Allele origin: germline. Affected: yes. Observed: 5 variant alleles.

MGZ Medical Genetics Center
Classification: Uncertain significance for Severe early-childhood-onset retinal dystrophy. Last evaluated: 2022-02-07. Review status: criteria provided, single submitter. Criteria: ACMG Guidelines, 2015. Collection method: clinical testing. Allele origin: germline. Affected: yes. Observed: 1 variant allele.
Comment: ACMG criteria applied: PM3, PP3

Institute of Human Genetics, Univ. Regensburg, Univ. Regensburg
Classification: Likely pathogenic for Optic atrophy. Last evaluated: 2022-01-01. Review status: criteria provided, single submitter. Criteria: ACMG Guidelines, 2015. Collection method: clinical testing. Allele origin: germline. Affected: yes.

Institute of Human Genetics, Univ. Regensburg, Univ. Regensburg
Classification: Likely pathogenic for Retinal dystrophy. Last evaluated: 2022-01-01. Review status: criteria provided, single submitter. Criteria: ACMG Guidelines, 2015. Collection method: clinical testing. Allele origin: germline. Affected: yes.

CENTOGENE GmbH and LLC - Guiding Precision Medicine
Classification: Uncertain significance for Severe early-childhood-onset retinal dystrophy. Last evaluated: 2018-09-04. Review status: criteria provided, single submitter. Criteria: ACMG Guidelines, 2015. Collection method: clinical testing. Allele origin: maternal. Affected: yes.

CeGaT Center for Human Genetics Tuebingen
Classification: Likely pathogenic. Last evaluated: 2018-05-01. Review status: criteria provided, single submitter. Criteria: CeGaT Center For Human Genetics Tuebingen Variant Classification Criteria Version 2. Collection method: clinical testing. Allele origin: germline. Affected: yes. Observed: 1 variant allele.

OMIM
Classification: Pathogenic for STARGARDT DISEASE 1. Last evaluated: 2000-02-01. Review status: no assertion criteria provided. Collection method: literature only. Allele origin: germline. Not counted in ClinVar's aggregate classification.

Literature cited by the submitters: PubMed 10746567 (cited by 4 submitters); PubMed 28559085 (cited by 3 submitters); PubMed 32531858 (cited by Women's Health and Genetics/Laboratory Corporation of America, LabCorp and Institute of Human Genetics, Univ. Regensburg, Univ. Regensburg); PubMed 35886001 (cited by Women's Health and Genetics/Laboratory Corporation of America, LabCorp and Institute of Human Genetics, Univ. Regensburg, Univ. Regensburg); PubMed 38309476 (cited by Women's Health and Genetics/Laboratory Corporation of America, LabCorp); PubMed 39462066 (cited by Women's Health and Genetics/Laboratory Corporation of America, LabCorp); PubMed 31964843 (cited by Institute of Human Genetics, Univ. Regensburg, Univ. Regensburg).

NM_000350.3(ABCA4):c.5338C>G (p.Pro1780Ala)

Gene: ABCA4 (ATP binding cassette subfamily A member 4; minus strand). Cytogenetic location: 1p22.1.
Variant type: single nucleotide variant.
Coding change: c.5338C>G on transcript NM_000350.3 (MANE Select); coding-DNA position 5338, C replaced by G.
Protein change: p.Pro1780Ala; replaces proline 1780 with alanine.
Molecular consequence: missense variant.
Genome position (GRCh38, 1-based): chr1:94,014,665, G>C on the plus strand (C>G on the coding strand, the complement: ABCA4 is on the minus strand). VCF-style: chr1-94014665-G-C. GRCh37 (hg19) VCF-style: chr1-94480221-G-C.
Other names: c.5116C>G, p.Pro1706Ala (NM_001425324.1); short protein forms P1780A, P1706A.
Identifiers: ClinVar variation 7912 (VCV000007912.67), dbSNP rs121909207, ClinGen allele CA340713.
Genomic context (GRCh38, chr1:94,014,665, plus strand): 5'-GATTAGCACAAGATAAAGCCACATAGGCTGTGCTGGGGACATCAAACAGGAAGGATGCTG[G>C]GTACATCATGGGAATGACCGCCCATCTGTGTGAAATGAGACAACTCAGAGTGATGGAGTT-3'
Protein context (NP_000341.2, residues 1770-1790): YGWAVIPMMY[Pro1780Ala]ASFLFDVPST